The following is an entry in ClinVar:

ClinVar aggregate classification (germline): Uncertain significance. Review status: criteria provided, multiple submitters, no conflicts (2 of 4 stars). 3 submissions from 3 submitters: Uncertain significance (3). Last evaluated 2023-06-18.

Conditions:
IFIH1-related disorder. Also called: IFIH1-related condition.
Aicardi-Goutieres syndrome 7 (AGS7). Identifiers: Orphanet 51, MedGen C3888244, MONDO:0014367, OMIM 615846.
Singleton-Merten syndrome 1 (SGMRT1). Also called: Widened medullary cavities of bone, aortic calcification, abnormal dentition, and muscular weakness; Syndrome of widened medullary cavities of the metacarpals and phalanges, aortic calcification and abnormal dentition. Identifiers: Orphanet 85191, MedGen C4225427, MONDO:0024535, OMIM 182250.

Allele frequency attached by ClinVar (database versions not stated): gnomAD exomes below 0.00001.

Submissions (3):

Labcorp Genetics (formerly Invitae), Labcorp
Classification: Uncertain significance for Aicardi-Goutieres syndrome 7; Singleton-Merten syndrome 1. Last evaluated: 2023-06-18. Review status: criteria provided, single submitter. Criteria: Invitae Variant Classification Sherloc (09022015). Collection method: clinical testing. Allele origin: germline.
Comment: Advanced modeling of protein sequence and biophysical properties (such as structural, functional, and spatial information, amino acid conservation, physicochemical variation, residue mobility, and thermodynamic stability) has been performed at Invitae for this missense variant, however the output from this modeling did not meet the statistical confidence thresholds required to predict the impact of this variant on IFIH1 protein function. Algorithms developed to predict the effect of sequence changes on RNA splicing suggest that this variant may disrupt the consensus splice site. In summary, the available evidence is currently insufficient to determine the role of this variant in disease. Therefore, it has been classified as a Variant of Uncertain Significance. ClinVar contains an entry for this variant (Variation ID: 1405889). This sequence change replaces methionine, which is neutral and non-polar, with leucine, which is neutral and non-polar, at codon 463 of the IFIH1 protein (p.Met463Leu). This variant is present in population databases (no rsID available, gnomAD 0.003%). This variant has not been reported in the literature in individuals affected with IFIH1-related conditions.

PreventionGenetics, part of Exact Sciences
Classification: Uncertain significance for IFIH1-related condition. Last evaluated: 2023-01-25. Review status: criteria provided, single submitter. Criteria: ACMG Guidelines, 2015. Collection method: clinical testing. Allele origin: germline.
Comment: The IFIH1 c.1387A>T variant is predicted to result in the amino acid substitution p.Met463Leu. To our knowledge, this variant has not been reported in the literature. This variant is reported in 0.0033% of alleles in individuals of South Asian descent in gnomAD. At this time, the clinical significance of this variant is uncertain due to the absence of conclusive functional and genetic evidence.

Blueprint Genetics
Classification: Uncertain significance. Last evaluated: 2021-03-01. Review status: criteria provided, single submitter. Criteria: ACMG Guidelines, 2015. Collection method: clinical testing. Allele origin: germline.

NM_022168.4(IFIH1):c.1387A>T (p.Met463Leu)

Gene: IFIH1 (interferon induced with helicase C domain 1; minus strand). Cytogenetic location: 2q24.2.
Variant type: single nucleotide variant.
Coding change: c.1387A>T on transcript NM_022168.4 (MANE Select); coding-DNA position 1387, A replaced by T.
Protein change: p.Met463Leu; replaces methionine 463 with leucine.
Molecular consequence: missense variant.
Genome position (GRCh38, 1-based): chr2:162,281,465, T>A on the plus strand (A>T on the coding strand, the complement: IFIH1 is on the minus strand). VCF-style: chr2-162281465-T-A. GRCh37 (hg19) VCF-style: chr2-163137975-T-A.
Other names: c.1387A>T (NM_022168.3); short protein forms M463L.
Identifiers: ClinVar variation 1405889 (VCV001405889.9), dbSNP rs1247355630, ClinGen allele CA349002444.
Genomic context (GRCh38, chr2:162,281,465, plus strand): 5'-GAGGAAGGGGAATCACTGGTTTGTTTTCTTTCTTGAGTCTATTGTTTTTCAACTTCTGCA[T>A]CAAATAATGCCTCATGATGTTATTATACACTGCTTCTTTGTTGGTGTGATGACATTCATC-3'
Protein context (NP_071451.2, residues 453-473): VYNNIMRHYL[Met463Leu]QKLKNNRLKK